The following is an entry in ClinVar:

ClinVar aggregate classification (germline): Uncertain significance/VUS-high. Review status: criteria provided, multiple submitters, no conflicts (2 of 4 stars). 2 submissions from 2 submitters: Uncertain significance (1); VUS-high (1). Last evaluated 2026-08-13.

Conditions:
Congenital myopathy 28 with rigid spine. Identifiers: MedGen C6065935, MONDO:0980756, OMIM 621433.

gnomAD v4.1: 7 of 1,612,802 alleles (0.00043%); highest among the groups gnomAD compares: African/African-American, 0.0013%; no homozygotes.

Submissions (2):

Institute for Genomic Medicine, Nationwide Children's Hospital
Classification: VUS-high for Congenital myopathy 28 with rigid spine. Last evaluated: 2026-08-13. Review status: criteria provided, single submitter. Criteria: ACMG Guidelines, 2015. Collection method: research. Allele origin: paternal. Inheritance: Autosomal recessive inheritance. Affected: yes. Observed: 1 variant allele, 1 compound heterozygote.
Comment: The c.572G>A variant is predicted to cause a missense substitution (Arginine to Glutamine) at position 191 of the HMGCS1 protein. This variant is present as a heterozygote in 7 of 806,401 individuals in the gnomAD database (v4.1), making it extremely rare. The missense change is damaging according to 15 of 31 in silico tools available from VarSome including MetaRNN (0.766), but its REVEL score (0.678) is below community thresholds for PP3_supporting. We interpret this as a strong variant of uncertain significance (VUS).

Ambry Genetics
Classification: Uncertain significance. Last evaluated: 2025-12-11. Review status: criteria provided, single submitter. Criteria: Ambry Variant Classification Scheme 2023. Collection method: clinical testing. Allele origin: germline.

Literature cited by the submitters: PubMed 39531736 (cited by Institute for Genomic Medicine, Nationwide Children's Hospital).

NM_001098272.3(HMGCS1):c.572G>A (p.Arg191Gln)

Gene: HMGCS1 (3-hydroxy-3-methylglutaryl-CoA synthase 1; minus strand). Cytogenetic location: 5p12.
Variant type: single nucleotide variant.
Coding change: c.572G>A on transcript NM_001098272.3 (MANE Select); coding-DNA position 572, G replaced by A.
Protein change: p.Arg191Gln; replaces arginine 191 with glutamine.
Molecular consequence: missense variant. On other transcripts: intron variant (3).
Genome position (GRCh38, 1-based): chr5:43,298,011, C>T on the plus strand (G>A on the coding strand, the complement: HMGCS1 is on the minus strand). VCF-style: chr5-43298011-C-T. GRCh37 (hg19) VCF-style: chr5-43298113-C-T.
Other names: c.572G>A, p.Arg191Gln (NM_001324219.2, NM_001324220.2, NM_001330663.2 and 2 more transcripts); c.448+507G>A (NM_001324223.2, NM_001324222.2, NM_001324224.2); short protein forms R191Q.
Identifiers: ClinVar variation 4676443 (VCV004676443.2).